The following is an entry in ClinVar:

NM_005359.6(SMAD4):c.1030A>G (p.Ser344Gly)

Gene: SMAD4 (SMAD family member 4; plus strand). Cytogenetic location: 18q21.2.
Variant type: single nucleotide variant.
Coding change: c.1030A>G on transcript NM_005359.6 (MANE Select); coding-DNA position 1030, A replaced by G.
Protein change: p.Ser344Gly; replaces serine 344 with glycine.
Molecular consequence: missense variant.
Genome position (GRCh38, 1-based): chr18:51,065,497, A>G. VCF-style: chr18-51065497-A-G. GRCh37 (hg19) VCF-style: chr18-48591867-A-G.
Other names: c.1030A>G (NM_005359.5); short protein forms S344G.
Identifiers: ClinVar variation 1390186 (VCV001390186.8), dbSNP rs1568208203, ClinGen allele CA402464242.
Genomic context (GRCh38, chr18:51,065,497, plus strand): 5'-TGTTCCATTGCTTACTTTGAAATGGATGTTCAGGTAGGAGAGACATTTAAGGTTCCTTCA[A>G]GCTGCCCTATTGTTACTGTTGATGGATACGTGGACCCTTCTGGAGGAGATCGCTTTTGTT-3'
Protein context (NP_005350.1, residues 334-354): QVGETFKVPS[Ser344Gly]CPIVTVDGYV

ClinVar aggregate classification (germline): Uncertain significance. Review status: criteria provided, multiple submitters, no conflicts (2 of 4 stars). 3 submissions from 3 submitters: Uncertain significance (3). Last evaluated 2025-05-20.

Conditions:
Familial thoracic aortic aneurysm and aortic dissection (TAAD). Also called: Thoracic aortic aneurysms and dissections. Identifiers: Orphanet 91387, MedGen C4707243, MONDO:0019625.
Hereditary cancer-predisposing syndrome. Also called: Hereditary neoplastic syndrome; Neoplastic Syndromes, Hereditary; Hereditary Cancer Syndrome; Tumor predisposition. Identifiers: Orphanet 140162, MedGen C0027672, MeSH D009386, MONDO:0015356.
Juvenile polyposis syndrome (JPS). Identifiers: Orphanet 2929, MedGen C0345893, MONDO:0017380, OMIM 174900.

Submissions (3):

Color Diagnostics, LLC DBA Color Health
Classification: Uncertain significance for Hereditary cancer-predisposing syndrome. Last evaluated: 2025-05-20. Review status: criteria provided, single submitter. Criteria: ACMG Guidelines, 2015. Collection method: clinical testing. Allele origin: germline.
Comment: This missense variant replaces serine with glycine at codon 344 of the SMAD4 protein. Computational prediction suggests that this variant may not impact protein structure and function. To our knowledge, functional studies have not been reported for this variant. This variant has not been reported in individuals affected with SMAD4-related disorders in the literature. This variant has not been identified in the general population by the Genome Aggregation Database (gnomAD). The available evidence is insufficient to determine the role of this variant in disease conclusively. Therefore, this variant is classified as a Variant of Uncertain Significance.

Ambry Genetics
Classification: Uncertain significance for Hereditary cancer-predisposing syndrome; Familial thoracic aortic aneurysm and aortic dissection. Last evaluated: 2024-10-08. Review status: criteria provided, single submitter. Criteria: Ambry Variant Classification Scheme 2023. Collection method: clinical testing. Allele origin: germline.
Comment: The p.S344G variant (also known as c.1030A>G), located in coding exon 8 of the SMAD4 gene, results from an A to G substitution at nucleotide position 1030. The serine at codon 344 is replaced by glycine, an amino acid with similar properties. This amino acid position is conserved. In addition, the in silico prediction for this alteration is inconclusive. Based on the available evidence, the clinical significance of this variant remains unclear.

Labcorp Genetics (formerly Invitae), Labcorp
Classification: Uncertain significance for Juvenile polyposis syndrome. Last evaluated: 2023-02-27. Review status: criteria provided, single submitter. Criteria: Invitae Variant Classification Sherloc (09022015). Collection method: clinical testing. Allele origin: germline.
Comment: In summary, the available evidence is currently insufficient to determine the role of this variant in disease. Therefore, it has been classified as a Variant of Uncertain Significance. Advanced modeling of protein sequence and biophysical properties (such as structural, functional, and spatial information, amino acid conservation, physicochemical variation, residue mobility, and thermodynamic stability) has been performed at Invitae for this missense variant, however the output from this modeling did not meet the statistical confidence thresholds required to predict the impact of this variant on SMAD4 protein function. ClinVar contains an entry for this variant (Variation ID: 1390186). This variant has not been reported in the literature in individuals affected with SMAD4-related conditions. This variant is not present in population databases (gnomAD no frequency). This sequence change replaces serine, which is neutral and polar, with glycine, which is neutral and non-polar, at codon 344 of the SMAD4 protein (p.Ser344Gly).